The following is an entry in ClinVar:

NM_000387.6(SLC25A20):c.691G>C (p.Asp231His)

Gene: SLC25A20 (solute carrier family 25 member 20; minus strand). Cytogenetic location: 3p21.31.
Variant type: single nucleotide variant.
Coding change: c.691G>C on transcript NM_000387.6 (MANE Select); coding-DNA position 691, G replaced by C.
Protein change: p.Asp231His; replaces aspartic acid 231 with histidine.
Molecular consequence: missense variant.
Genome position (GRCh38, 1-based): chr3:48,859,119, C>G on the plus strand (G>C on the coding strand, the complement: SLC25A20 is on the minus strand). VCF-style: chr3-48859119-C-G. GRCh37 (hg19) VCF-style: chr3-48896552-C-G.
Other names: short protein forms D231H.
Identifiers: ClinVar variation 646763 (VCV000646763.8), dbSNP rs577331691, ClinGen allele CA73980967.

ClinVar aggregate classification (germline): Pathogenic/Likely pathogenic. Review status: criteria provided, multiple submitters, no conflicts (2 of 4 stars). 2 submissions from 2 submitters: Pathogenic (1); Likely pathogenic (1). Last evaluated 2024-09-23.

Conditions:
Carnitine acylcarnitine translocase deficiency (CACTD). Identifiers: Orphanet 159, MedGen C0342791, MONDO:0008918, OMIM 212138.

Allele frequency attached by ClinVar (database versions not stated): TOPMed below 0.00001; gnomAD 0.00001; gnomAD exomes 0.00001; 1000 Genomes Project 0.00020; 1000 Genomes Project 30x 0.00031.
gnomAD v4.1: 15 of 1,614,098 alleles (0.00093%); highest among the groups gnomAD compares: South Asian, 0.0011%; no homozygotes.

Submissions (2):

Women's Health and Genetics/Laboratory Corporation of America, LabCorp
Classification: Likely pathogenic for Carnitine acylcarnitine translocase deficiency. Last evaluated: 2024-09-23. Review status: criteria provided, single submitter. Criteria: LabCorp Variant Classification Summary - May 2015. Collection method: clinical testing. Allele origin: germline.
Comment: Variant summary: SLC25A20 c.691G>C (p.Asp231His) results in a non-conservative amino acid change in the encoded protein sequence. Five of five in-silico tools predict a damaging effect of the variant on protein function. The variant was absent in 251058 control chromosomes. c.691G>C has been reported in the literature in the presumed compound heterozygous state or confirmed trans with a pathogenic variant in at least 2 individuals affected with Carnitine-Acylcarnitine Translocase Deficiency (example, Iacobazzi_2004, Costa_2003). These data indicate that the variant may be associated with disease. At least one publication reports experimental evidence evaluating an impact on protein function. The most pronounced variant effect results in <10% of normal activity in patient derived samples (example, Iacobazzi_2004). The following publications have been ascertained in the context of this evaluation (PMID: 12559850, 15365988). ClinVar contains an entry for this variant (Variation ID: 646763). Based on the evidence outlined above, the variant was classified as likely pathogenic.

Labcorp Genetics (formerly Invitae), Labcorp
Classification: Pathogenic for Carnitine acylcarnitine translocase deficiency. Last evaluated: 2024-01-25. Review status: criteria provided, single submitter. Criteria: Invitae Variant Classification Sherloc (09022015). Collection method: clinical testing. Allele origin: germline.
Comment: This sequence change replaces aspartic acid, which is acidic and polar, with histidine, which is basic and polar, at codon 231 of the SLC25A20 protein (p.Asp231His). This variant is not present in population databases (gnomAD no frequency). This missense change has been observed in individual(s) with carnitine-acylcarnitine translocase deficiency (PMID: 12559850, 15365988). In at least one individual the data is consistent with being in trans (on the opposite chromosome) from a pathogenic variant. ClinVar contains an entry for this variant (Variation ID: 646763). Advanced modeling of protein sequence and biophysical properties (such as structural, functional, and spatial information, amino acid conservation, physicochemical variation, residue mobility, and thermodynamic stability) performed at Invitae indicates that this missense variant is expected to disrupt SLC25A20 protein function with a positive predictive value of 80%. For these reasons, this variant has been classified as Pathogenic.

Literature cited by the submitters: PubMed 12559850 (cited by Women's Health and Genetics/Laboratory Corporation of America, LabCorp and Labcorp Genetics (formerly Invitae), Labcorp); PubMed 15365988 (cited by Women's Health and Genetics/Laboratory Corporation of America, LabCorp and Labcorp Genetics (formerly Invitae), Labcorp).